The following is an entry in ClinVar:

ClinVar aggregate classification (germline): Pathogenic/Likely pathogenic. Review status: criteria provided, multiple submitters, no conflicts (2 of 4 stars). 3 submissions from 3 submitters: Pathogenic (1); Likely pathogenic (1). 1 of the submissions does not count toward it. Last evaluated 2023-05-04.

Conditions:
Hypogonadotropic hypogonadism 2 with or without anosmia (HH2). Also called: HYPOGONADOTROPIC HYPOGONADISM 2 WITH OR WITHOUT ANOSMIA, SUSCEPTIBILITY TO; HYPOGONADOTROPIC HYPOGONADISM 2 WITHOUT ANOSMIA, SUSCEPTIBILITY TO; HYPOGONADOTROPIC HYPOGONADISM 2 WITHOUT ANOSMIA; FGFR1-Related GnRH Deficiency (Kallmann Syndrome 2). Identifiers: Orphanet 478, MedGen C1563720, MONDO:0007844, OMIM 147950. Disease mechanism: loss of function.
Delayed puberty. Identifiers: MedGen C0034012, HP:0000823.

Submissions (3):

Reproductive Endocrine Unit, Massachusetts General Hospital
Classification: Pathogenic for Hypogonadotropic hypogonadism 2 with or without anosmia. Last evaluated: 2023-05-04. Review status: criteria provided, single submitter. Criteria: ACMG Guidelines, 2015. Collection method: research. Allele origin: inherited. Affected: yes. Observed: 1 variant allele.
Comment: The variant NM_023110.2:c.2038C>T, p.(Gln680*) het has been classified as P1c based on the variant meeting the following ACMG Criteria: PVS1,PM2PP1,PP3.

Chan Lab, Boston Children's Hospital
Classification: Likely pathogenic for Delayed puberty. Last evaluated: 2014-11-01. Review status: criteria provided, single submitter. Criteria: Submitter's publication. Collection method: case-control. Allele origin: unknown. Affected: yes. Observed: 1 variant allele.

OMIM
Classification: Pathogenic for HYPOGONADOTROPIC HYPOGONADISM 2 WITHOUT ANOSMIA. Last evaluated: 2006-04-18. Review status: no assertion criteria provided. Collection method: literature only. Allele origin: germline. Not counted in ClinVar's aggregate classification.

Literature cited by the submitters: PubMed 16606836 (cited by OMIM).

NM_023110.3(FGFR1):c.2038C>T (p.Gln680Ter)

Gene: FGFR1 (fibroblast growth factor receptor 1; minus strand). Cytogenetic location: 8p11.23.
Variant type: single nucleotide variant.
Coding change: c.2038C>T on transcript NM_023110.3 (MANE Select); coding-DNA position 2038, C replaced by T.
Protein change: p.Gln680Ter; replaces glutamine 680 with a stop codon.
Molecular consequence: nonsense.
Genome position (GRCh38, 1-based): chr8:38,414,569, G>A on the plus strand (C>T on the coding strand, the complement: FGFR1 is on the minus strand). VCF-style: chr8-38414569-G-A. GRCh37 (hg19) VCF-style: chr8-38272087-G-A.
Other names: c.2032C>T, p.Gln678Ter (NM_001174063.2, NM_001174065.2, NM_001354367.2 and 1 more transcripts); c.2008C>T, p.Gln670Ter (NM_001174064.2); c.1771C>T, p.Gln591Ter (NM_001174066.2, NM_023105.3); c.2131C>T, p.Gln711Ter (NM_001174067.2); c.1759C>T, p.Gln587Ter (NM_001354368.2); c.2026C>T, p.Gln676Ter (NM_001354369.2); c.1765C>T, p.Gln589Ter (NM_001354370.2, NM_023106.3); short protein forms Q680*, Q589*, Q670*, Q711*, Q591*, Q678*, Q587*, Q676*.
Identifiers: ClinVar variation 16293 (VCV000016293.2), dbSNP rs121909636, ClinGen allele CA185879.